The following is an entry in ClinVar:

NM_001035.3(RYR2):c.755A>G (p.His252Arg)

Gene: RYR2 (ryanodine receptor 2; plus strand). Cytogenetic location: 1q43.
Variant type: single nucleotide variant.
Coding change: c.755A>G on transcript NM_001035.3 (MANE Select); coding-DNA position 755, A replaced by G.
Protein change: p.His252Arg; replaces histidine 252 with arginine.
Molecular consequence: missense variant.
Genome position (GRCh38, 1-based): chr1:237,388,165, A>G. VCF-style: chr1-237388165-A-G. GRCh37 (hg19) VCF-style: chr1-237551465-A-G.
Other names: c.755A>G (NM_001035.2); short protein forms H252R.
Identifiers: ClinVar variation 1171912 (VCV001171912.12), dbSNP rs2149848141, ClinGen allele CA345378476.

ClinVar aggregate classification (germline): Uncertain significance. Review status: criteria provided, multiple submitters, no conflicts (2 of 4 stars). 4 submissions from 4 submitters: Uncertain significance (4). Last evaluated 2025-04-09.

Conditions:
Catecholaminergic polymorphic ventricular tachycardia 1. Also called: VENTRICULAR TACHYCARDIA, STRESS-INDUCED POLYMORPHIC 1; VENTRICULAR TACHYCARDIA, CATECHOLAMINERGIC POLYMORPHIC, 1, WITH OR WITHOUT ATRIAL DYSFUNCTION AND/OR DILATED CARDIOMYOPATHY; RYR2-Related Catecholaminergic Polymorphic Ventricular Tachycardia. Identifiers: Orphanet 3286, MedGen C1631597, MONDO:0011484, OMIM 604772.
Cardiomyopathy (CMYO). Also called: Cardiomyopathies. Identifiers: Orphanet 167848, MedGen C0878544, MONDO:0004994, HP:0001638. Inheritance: Various modes of inheritance.
Cardiovascular phenotype. Identifiers: MedGen CN230736.
Catecholaminergic polymorphic ventricular tachycardia (CVPT). Also called: Catecholamine-induced polymorphic ventricular tachycardia. Identifiers: Orphanet 3286, MedGen C5574922, MONDO:0017990.

gnomAD v4.1: 3 of 1,613,874 alleles (0.00019%); highest among the groups gnomAD compares: Non-Finnish European, 0.00025%; no homozygotes.

Submissions (4):

Ambry Genetics
Classification: Uncertain significance for Cardiovascular phenotype. Last evaluated: 2025-04-09. Review status: criteria provided, single submitter. Criteria: Ambry Variant Classification Scheme 2023. Collection method: clinical testing. Allele origin: germline.
Comment: The p.H252R variant (also known as c.755A>G), located in coding exon 10 of the RYR2 gene, results from an A to G substitution at nucleotide position 755. The histidine at codon 252 is replaced by arginine, an amino acid with highly similar properties. This amino acid position is highly conserved in available vertebrate species. In addition, the in silico prediction for this alteration is inconclusive. Based on the available evidence, the clinical significance of this variant remains unclear.

All of Us Research Program, National Institutes of Health
Classification: Uncertain significance for Catecholaminergic polymorphic ventricular tachycardia. Last evaluated: 2023-10-23. Review status: criteria provided, single submitter. Criteria: ACMG Guidelines, 2015. Collection method: clinical testing. Allele origin: germline. Inheritance: Autosomal dominant inheritance. Observed: 1 variant allele, 1 heterozygote.
Comment: This missense variant replaces histidine with arginine at codon 252 of the RYR2 protein. Computational prediction suggests that this variant may not impact protein structure and function (internally defined REVEL score threshold <= 0.5, PMID: 27666373). To our knowledge, functional studies have not been reported for this variant. This variant has not been reported in individuals affected with cardiovascular disorders in the literature. This variant has not been identified in the general population by the Genome Aggregation Database (gnomAD). The available evidence is insufficient to determine the role of this variant in disease conclusively. Therefore, this variant is classified as a Variant of Uncertain Significance.

This study involves interpretation of variants in research participants for the purpose of population health screening. Participant phenotype was not available at the time of variant classification. Additional details can be found in publication PMID: 35346344, PMCID: PMC8962531

Color Diagnostics, LLC DBA Color Health
Classification: Uncertain significance for Cardiomyopathy. Last evaluated: 2023-09-28. Review status: criteria provided, single submitter. Criteria: ACMG Guidelines, 2015. Collection method: clinical testing. Allele origin: germline.
Comment: This missense variant replaces histidine with arginine at codon 252 of the RYR2 protein. Computational prediction suggests that this variant may not impact protein structure and function (internally defined REVEL score threshold <= 0.5, PMID: 27666373). To our knowledge, functional studies have not been reported for this variant. This variant has not been reported in individuals affected with RYR2-related disorders in the literature. This variant has not been identified in the general population by the Genome Aggregation Database (gnomAD). The available evidence is insufficient to determine the role of this variant in disease conclusively. Therefore, this variant is classified as a Variant of Uncertain Significance.

Labcorp Genetics (formerly Invitae), Labcorp
Classification: Uncertain significance for Catecholaminergic polymorphic ventricular tachycardia 1. Last evaluated: 2023-02-14. Review status: criteria provided, single submitter. Criteria: Invitae Variant Classification Sherloc (09022015). Collection method: clinical testing. Allele origin: germline.
Comment: ClinVar contains an entry for this variant (Variation ID: 1171912). In summary, the available evidence is currently insufficient to determine the role of this variant in disease. Therefore, it has been classified as a Variant of Uncertain Significance. Advanced modeling of protein sequence and biophysical properties (such as structural, functional, and spatial information, amino acid conservation, physicochemical variation, residue mobility, and thermodynamic stability) performed at Invitae indicates that this missense variant is not expected to disrupt RYR2 protein function. This variant has not been reported in the literature in individuals affected with RYR2-related conditions. This variant is not present in population databases (gnomAD no frequency). This sequence change replaces histidine, which is basic and polar, with arginine, which is basic and polar, at codon 252 of the RYR2 protein (p.His252Arg).